The following is an entry in ClinVar:

NM_001165963.4(SCN1A):c.1265T>A (p.Val422Glu)

Gene: SCN1A (sodium voltage-gated channel alpha subunit 1; minus strand). Cytogenetic location: 2q24.3.
Variant type: single nucleotide variant.
Coding change: c.1265T>A on transcript NM_001165963.4 (MANE Select); coding-DNA position 1265, T replaced by A.
Protein change: p.Val422Glu; replaces valine 422 with glutamic acid.
Molecular consequence: missense variant. On other transcripts: 5 prime UTR variant (1), non-coding transcript variant (1).
Genome position (GRCh38, 1-based): chr2:166,046,882, A>T on the plus strand (T>A on the coding strand, the complement: SCN1A is on the minus strand). VCF-style: chr2-166046882-A-T. GRCh37 (hg19) VCF-style: chr2-166903392-A-T.
Other names: c.1265T>A (NM_001165963.1); c.1265T>A, p.Val422Glu (NM_001165964.3, NM_001202435.3, NM_001353948.2 and 10 more transcripts); c.-1161T>A (NM_001353961.2); short protein forms V422E.
Identifiers: ClinVar variation 68510 (VCV000068510.2), dbSNP rs121917989, ClinGen allele CA145232.
Genomic context (GRCh38, chr2:166,046,882, plus strand): 5'-GCCTCTTTCTGTTCTGCTTCTTCCAAGGTGGCCTGATTCTGTTCCTCGTAGGCCATGGCC[A>T]CCACAGCCAGGATCAAATTTATTAGGTAGAATGAGCCCAAGAAAATGACCAATACAAAAA-3'
Protein context (NP_001159435.1, residues 412-432): FYLINLILAV[Val422Glu]AMAYEEQNQA

ClinVar aggregate classification (germline): Likely pathogenic. Review status: criteria provided, single submitter (1 of 4 stars). 2 submissions from 2 submitters: Likely pathogenic (1). 1 of the submissions does not count toward it. Last evaluated 2025-01-27.

Conditions:
SCN1A-related disorder. Also called: SCN1A-related conditions; SCN1A-related condition; SCN1A-related disorders.
Generalized epilepsy. Identifiers: MedGen C0014548, MONDO:0100574.

Submissions (2):

Rady Children's Institute for Genomic Medicine, Rady Children's Hospital San Diego
Classification: Likely pathogenic for SCN1A-related disorders. Last evaluated: 2025-01-27. Review status: criteria provided, single submitter. Criteria: ACMG Guidelines, 2015. Collection method: clinical testing. Allele origin: germline. Affected: yes.
Comment: Missense variation is an established mechanism of disease for SCN1A-related disorders (PMID: 20301494). The c.1265T>A (p.Val422Glu) variant affects a highly conserved amino acid and is predicted by multiple in silico tools to have a deleterious effect on protein function. This variant has been previously reported as a de novo heterozygous change in a patient with generalized epilepsy (PMID: 17347258). The c.1265T>A (p.Val422Glu) variant is located in a mutational hotspot for pathogenic variations associated with SCN1A-related seizure disorders (PMID: 31871067, 32183904). Different amino acid changes at the same residue (p.Val422Ala, p.Val422Leu, p.Val422Met) have been previously reported in individuals with SCN1A-related seizure disorders (PMID: 26096185, 29573403, 24776920, 31175295, 22848613, 29056246, 31864146). The c.1265T>A (p.Val422Glu) variant is absent from the latest version of the gnomAD population database and thus is presumed to be rare. Based on parental analysis, this variant likely occurred as a de novo event. Based on the available evidence, c.1265T>A (p.Val422Glu) is classified as Likely Pathogenic.

UniProtKB/Swiss-Prot
No classification provided. Review status: no classification provided. Collection method: not provided. Allele origin: unknown. Not counted in ClinVar's aggregate classification.

Literature cited by the submitters: PubMed 20301494 (cited by Rady Children's Institute for Genomic Medicine, Rady Children's Hospital San Diego); PubMed 17347258 (cited by Rady Children's Institute for Genomic Medicine, Rady Children's Hospital San Diego); PubMed 31871067 (cited by Rady Children's Institute for Genomic Medicine, Rady Children's Hospital San Diego); PubMed 32183904 (cited by Rady Children's Institute for Genomic Medicine, Rady Children's Hospital San Diego); PubMed 26096185 (cited by Rady Children's Institute for Genomic Medicine, Rady Children's Hospital San Diego); PubMed 29573403 (cited by Rady Children's Institute for Genomic Medicine, Rady Children's Hospital San Diego); PubMed 24776920 (cited by Rady Children's Institute for Genomic Medicine, Rady Children's Hospital San Diego); PubMed 31175295 (cited by Rady Children's Institute for Genomic Medicine, Rady Children's Hospital San Diego); PubMed 22848613 (cited by Rady Children's Institute for Genomic Medicine, Rady Children's Hospital San Diego); PubMed 29056246 (cited by Rady Children's Institute for Genomic Medicine, Rady Children's Hospital San Diego); PubMed 31864146 (cited by Rady Children's Institute for Genomic Medicine, Rady Children's Hospital San Diego).